The following is an entry in ClinVar:

NM_001928.4(CFD):c.762G>C (p.Ter254Tyr)

Gene: CFD (complement factor D; plus strand). Cytogenetic location: 19p13.3.
Variant type: single nucleotide variant.
Coding change: c.762G>C on transcript NM_001928.4 (MANE Select); coding-DNA position 762, G replaced by C.
Protein change: p.Ter254Tyr.
Molecular consequence: stop lost.
Genome position (GRCh38, 1-based): chr19:863,238, G>C. VCF-style: chr19-863238-G-C. GRCh37 (hg19) VCF-style: chr19-863238-G-C.
Other names: c.783G>C, p.Ter261Tyr (NM_001317335.2).
Identifiers: ClinVar variation 1354292 (VCV001354292.4), dbSNP rs868017405, ClinGen allele CA402924179.
Genomic context (GRCh38, chr19:863,238, plus strand): 5'-GCCCGGGATCTACACCCGCGTGGCGAGCTATGCGGCCTGGATCGACAGCGTCCTGGCCTA[G>C]GGTGCCGGGGCCTGAAGGTCAGGGTCACCCAAGCAACAAAGTCCCGAGCAATGAAGTCAT-3'

ClinVar aggregate classification (germline): Uncertain significance (1 of 4 stars; one submission).

Allele frequency attached by ClinVar (database versions not stated): TOPMed below 0.00001; gnomAD exomes 0.00001.
gnomAD v4.1: 7 of 1,547,262 alleles (0.00045%); highest among the groups gnomAD compares: South Asian, 0.0024%; no homozygotes.

Submission:

Labcorp Genetics (formerly Invitae), Labcorp
Classification: Uncertain significance. Last evaluated: 2023-07-10. Review status: criteria provided, single submitter. Criteria: Invitae Variant Classification Sherloc (09022015). Collection method: clinical testing. Allele origin: germline.
Comment: This variant is present in population databases (no rsID available, gnomAD 0.004%). This sequence change disrupts the translational stop signal of the CFD mRNA. It is expected to extend the length of the CFD protein by 5 additional amino acid residues. This variant has not been reported in the literature in individuals affected with CFD-related conditions. ClinVar contains an entry for this variant (Variation ID: 1354292). In summary, the available evidence is currently insufficient to determine the role of this variant in disease. Therefore, it has been classified as a Variant of Uncertain Significance.